The following is an entry in ClinVar:

ClinVar aggregate classification (germline): Uncertain significance (0 of 4 stars; one submission).

Conditions:
CFAP57-related disorder. Also called: CFAP57-related condition.

gnomAD v4.1: 70 of 1,550,044 alleles (0.0045%); highest among the groups gnomAD compares: East Asian, 0.078%; no homozygotes.

Submission:

PreventionGenetics, part of Exact Sciences
Classification: Uncertain significance for CFAP57-related condition. Last evaluated: 2024-07-18. Review status: no assertion criteria provided. Collection method: clinical testing. Allele origin: germline.
Comment: The CFAP57 c.3541C>T variant is predicted to result in the amino acid substitution p.Arg1181Cys. To our knowledge, this variant has not been reported in the literature. This variant is reported in 0.0093% of alleles in individuals of East Asian descent in gnomAD. Although we suspect that this variant may be benign, at this time, the clinical significance of this variant is uncertain due to the absence of conclusive functional and genetic evidence.

NM_001378189.1(CFAP57):c.3442C>T (p.Arg1148Cys)

Genes: CFAP57 (cilia and flagella associated protein 57; plus strand), EBNA1BP2 (EBNA1 binding protein 2; minus strand), LOC105378685 (uncharacterized LOC105378685; minus strand). Cytogenetic location: 1p34.2.
Variant type: single nucleotide variant.
Coding change: c.3442C>T on transcript NM_001378189.1 (MANE Select); coding-DNA position 3442, C replaced by T.
Protein change: p.Arg1148Cys; replaces arginine 1148 with cysteine.
Molecular consequence: missense variant.
Genome position (GRCh38, 1-based): chr1:43,243,263, C>T. VCF-style: chr1-43243263-C-T. GRCh37 (hg19) VCF-style: chr1-43708934-C-T.
Other names: c.3541C>T, p.Arg1181Cys (NM_001195831.3); short protein forms R1148C, R1181C.
Identifiers: ClinVar variation 3350425 (VCV003350425.1).